The following is an entry in ClinVar:

ClinVar aggregate classification (germline): Pathogenic. Review status: criteria provided, multiple submitters, no conflicts (2 of 4 stars). 2 submissions from 2 submitters: Pathogenic (2). Last evaluated 2024-02-09.

Submissions (2):

Labcorp Genetics (formerly Invitae), Labcorp
Classification: Pathogenic. Last evaluated: 2024-02-09. Review status: criteria provided, single submitter. Criteria: Invitae Variant Classification Sherloc (09022015). Collection method: clinical testing. Allele origin: germline.
Comment: This sequence change creates a premature translational stop signal (p.Glu331Argfs*11) in the TSEN54 gene. It is expected to result in an absent or disrupted protein product. Loss-of-function variants in TSEN54 are known to be pathogenic (PMID: 18711368, 20952379). This variant is not present in population databases (gnomAD no frequency). This variant has not been reported in the literature in individuals affected with TSEN54-related conditions. ClinVar contains an entry for this variant (Variation ID: 817315). For these reasons, this variant has been classified as Pathogenic.

GeneDx
Classification: Pathogenic. Last evaluated: 2018-11-06. Review status: criteria provided, single submitter. Criteria: GeneDx Variant Classification (06012015). Collection method: clinical testing. Allele origin: germline. Affected: yes.
Comment: The c.991delG variant in the TSEN54 gene has not been reported previously as a pathogenic variant nor as a benign variant, to our knowledge. The c.991delG variant causes a frameshift starting with codon Glutamic Acid 331, changes this amino acid to an Arginine residue, and creates a premature Stop codon at position 11 of the new reading frame, denoted p.Glu331ArgfsX11. This variant is predicted to cause loss of normal protein function either through protein truncation or nonsense-mediated mRNA decay. The c.991delG variant is not observed in large population cohorts (Lek et al., 2016). We interpret c.991delG as a pathogenic variant.

Literature cited by the submitters: PubMed 18711368 (cited by Labcorp Genetics (formerly Invitae), Labcorp); PubMed 20952379 (cited by Labcorp Genetics (formerly Invitae), Labcorp).

NM_207346.3(TSEN54):c.991del (p.Glu331fs)

Gene: TSEN54 (tRNA splicing endonuclease subunit 54; plus strand). Cytogenetic location: 17q25.1.
Variant type: Deletion.
Coding change: c.991del on transcript NM_207346.3 (MANE Select); coding-DNA position 991, one base deleted (G; older notation c.991delG).
Protein change: p.Glu331fs; shifts the reading frame from glutamic acid 331.
Molecular consequence: frameshift variant.
Genome position (GRCh38, 1-based): chr17:75,522,072, G deleted; the last of 3 consecutive G bases (chr17:75,522,070-75,522,072); deleting any one gives the same sequence. VCF-style (leftmost placement, unchanged base first): chr17-75522069-CG-C. GRCh37 (hg19) VCF-style: chr17-73518150-CG-C.
Other names: short protein forms E331fs.
Identifiers: ClinVar variation 817315 (VCV000817315.3), dbSNP rs1598477502, ClinGen allele CA915951689.